The following is an entry in ClinVar:

NM_032043.3(BRIP1):c.25A>G (p.Thr9Ala)

Gene: BRIP1 (BRCA1 interacting DNA helicase 1; minus strand). Cytogenetic location: 17q23.2.
Variant type: single nucleotide variant.
Coding change: c.25A>G on transcript NM_032043.3 (MANE Select); coding-DNA position 25, A replaced by G.
Protein change: p.Thr9Ala; replaces threonine 9 with alanine.
Molecular consequence: missense variant.
Genome position (GRCh38, 1-based): chr17:61,861,515, T>C on the plus strand (A>G on the coding strand, the complement: BRIP1 is on the minus strand). VCF-style: chr17-61861515-T-C. GRCh37 (hg19) VCF-style: chr17-59938876-T-C.
Other names: short protein forms T9A.
Identifiers: ClinVar variation 862691 (VCV000862691.14), dbSNP rs2078973246, ClinGen allele CA400486047.

ClinVar aggregate classification (germline): Uncertain significance. Review status: criteria provided, multiple submitters, no conflicts (2 of 4 stars). 3 submissions from 3 submitters: Uncertain significance (3). Last evaluated 2025-01-01.

Conditions:
Hereditary cancer-predisposing syndrome. Also called: Tumor predisposition; Hereditary Cancer Syndrome; Neoplastic Syndromes, Hereditary; Hereditary neoplastic syndrome. Identifiers: Orphanet 140162, MedGen C0027672, MeSH D009386, MONDO:0015356.
Familial cancer of breast. Also called: hereditary breast carcinoma; BREAST CANCER, FAMILIAL; Hereditary breast cancer. Identifiers: Orphanet 227535, MedGen C0346153, MONDO:0016419, OMIM 114480. Disease mechanism: loss of function.
Fanconi anemia complementation group J. Also called: BRIP1-Related Fanconi Anemia. Identifiers: Orphanet 84, MedGen C1836860, MONDO:0012187, OMIM 609054.

Allele frequency attached by ClinVar (database versions not stated): gnomAD exomes below 0.00001.
gnomAD v4.1: 1 of 1,612,818 alleles (0.000062%); highest among the groups gnomAD compares: Non-Finnish European, 0.000085%; no homozygotes.

Submissions (3):

Labcorp Genetics (formerly Invitae), Labcorp
Classification: Uncertain significance for Familial cancer of breast; Fanconi anemia complementation group J. Last evaluated: 2025-01-01. Review status: criteria provided, single submitter. Criteria: Invitae Variant Classification Sherloc (09022015). Collection method: clinical testing. Allele origin: germline.
Comment: This sequence change replaces threonine, which is neutral and polar, with alanine, which is neutral and non-polar, at codon 9 of the BRIP1 protein (p.Thr9Ala). This variant is not present in population databases (gnomAD no frequency). This variant has not been reported in the literature in individuals affected with BRIP1-related conditions. ClinVar contains an entry for this variant (Variation ID: 862691). Invitae Evidence Modeling of protein sequence and biophysical properties (such as structural, functional, and spatial information, amino acid conservation, physicochemical variation, residue mobility, and thermodynamic stability) has been performed for this missense variant. However, the output from this modeling did not meet the statistical confidence thresholds required to predict the impact of this variant on BRIP1 protein function. In summary, the available evidence is currently insufficient to determine the role of this variant in disease. Therefore, it has been classified as a Variant of Uncertain Significance.

Color Diagnostics, LLC DBA Color Health
Classification: Uncertain significance for Hereditary cancer-predisposing syndrome. Last evaluated: 2024-05-31. Review status: criteria provided, single submitter. Criteria: ACMG Guidelines, 2015. Collection method: clinical testing. Allele origin: germline.
Comment: This missense variant replaces threonine with alanine at codon 9 of the BRIP1 protein. Computational prediction suggests that this variant may not impact protein structure and function (internally defined REVEL score threshold <= 0.5, PMID: 27666373). To our knowledge, functional studies have not been reported for this variant. This variant has not been reported in individuals affected with BRIP1-related disorders in the literature. This variant has not been identified in the general population by the Genome Aggregation Database (gnomAD). The available evidence is insufficient to determine the role of this variant in disease conclusively. Therefore, this variant is classified as a Variant of Uncertain Significance.

Ambry Genetics
Classification: Uncertain significance for Hereditary cancer-predisposing syndrome. Last evaluated: 2022-04-21. Review status: criteria provided, single submitter. Criteria: Ambry Variant Classification Scheme 2023. Collection method: clinical testing. Allele origin: germline.
Comment: The p.T9A variant (also known as c.25A>G), located in coding exon 1 of the BRIP1 gene, results from an A to G substitution at nucleotide position 25. The threonine at codon 9 is replaced by alanine, an amino acid with similar properties. This amino acid position is conserved. In addition, this alteration is predicted to be tolerated by in silico analysis. Since supporting evidence is limited at this time, the clinical significance of this alteration remains unclear.